The following is an entry in ClinVar:

NM_170601.5(SIAE):c.166A>G (p.Thr56Ala)

Gene: SIAE (sialic acid acetylesterase; minus strand). Cytogenetic location: 11q24.2.
Variant type: single nucleotide variant.
Coding change: c.166A>G on transcript NM_170601.5 (MANE Select); coding-DNA position 166, A replaced by G.
Protein change: p.Thr56Ala; replaces threonine 56 with alanine.
Molecular consequence: missense variant.
Genome position (GRCh38, 1-based): chr11:124,669,423, T>C on the plus strand (A>G on the coding strand, the complement: SIAE is on the minus strand). VCF-style: chr11-124669423-T-C. GRCh37 (hg19) VCF-style: chr11-124539319-T-C.
Other names: c.61A>G, p.Thr21Ala (NM_001199922.2); c.166A>G (NM_170601.4); short protein forms T56A, T21A.
Identifiers: ClinVar variation 2899167 (VCV002899167.4), dbSNP rs756175126, ClinGen allele CA6341642.
Genomic context (GRCh38, chr11:124,669,423, plus strand): 5'-TCACACTGGTCACTTTCTTCATGATGGTTTCCTGACCTTGGCGCAGGGTCACGGTCACTG[T>C]GGCTCCAGGTGTACCGAAGCCCCATATCACTGCCCCAGCAGGCTCCTTCTGCAGCACCAT-3'
Protein context (NP_733746.1, residues 46-66): VIWGFGTPGA[Thr56Ala]VTVTLRQGQE

ClinVar aggregate classification (germline): Conflicting classifications of pathogenicity. Review status: criteria provided, conflicting classifications (1 of 4 stars). 2 submissions from 2 submitters: Uncertain significance (1); Likely benign (1). Last evaluated 2025-11-16.

Allele frequency attached by ClinVar (database versions not stated): gnomAD 0.00001; gnomAD exomes 0.00003; ExAC 0.00005; TOPMed 0.00003.
gnomAD v4.1: 18 of 1,614,084 alleles (0.0011%); highest among the groups gnomAD compares: Admixed American, 0.03%; no homozygotes.

Submissions (2):

Labcorp Genetics (formerly Invitae), Labcorp
Classification: Uncertain significance. Last evaluated: 2025-11-16. Review status: criteria provided, single submitter. Criteria: Invitae Variant Classification Sherloc (09022015). Collection method: clinical testing. Allele origin: germline.
Comment: This sequence change replaces threonine, which is neutral and polar, with alanine, which is neutral and non-polar, at codon 56 of the SIAE protein (p.Thr56Ala). This variant is present in population databases (rs756175126, gnomAD 0.04%). This variant has not been reported in the literature in individuals affected with SIAE-related conditions. ClinVar contains an entry for this variant (Variation ID: 2899167). An algorithm developed to predict the effect of missense changes on protein structure and function outputs the following: PolyPhen-2: "Benign". The alanine amino acid residue is found in multiple mammalian species, which suggests that this missense change does not adversely affect protein function. In summary, the available evidence is currently insufficient to determine the role of this variant in disease. Therefore, it has been classified as a Variant of Uncertain Significance.

Ambry Genetics
Classification: Likely benign. Last evaluated: 2025-01-08. Review status: criteria provided, single submitter. Criteria: Ambry Variant Classification Scheme 2023. Collection method: clinical testing. Allele origin: germline.